The following is an entry in ClinVar:

NM_001136191.3(KANK2):c.1932C>A (p.His644Gln)

Gene: KANK2 (KN motif and ankyrin repeat domains 2; minus strand). Cytogenetic location: 19p13.2.
Variant type: single nucleotide variant.
Coding change: c.1932C>A on transcript NM_001136191.3 (MANE Select); coding-DNA position 1932, C replaced by A.
Protein change: p.His644Gln; replaces histidine 644 with glutamine.
Molecular consequence: missense variant.
Genome position (GRCh38, 1-based): chr19:11,174,609, G>T on the plus strand (C>A on the coding strand, the complement: KANK2 is on the minus strand). VCF-style: chr19-11174609-G-T. GRCh37 (hg19) VCF-style: chr19-11285285-G-T.
Other names: c.1932C>A, p.His644Gln (NM_001329451.2, NM_001379559.1, NM_001379560.1 and 7 more transcripts); c.1956C>A, p.His652Gln (NM_001379548.1, NM_015493.7, NM_001379549.1 and 5 more transcripts); short protein forms H644Q, H652Q.
Identifiers: ClinVar variation 1997970 (VCV001997970.4), dbSNP rs2078278252, ClinGen allele CA404080498.
Genomic context (GRCh38, chr19:11,174,609, plus strand): 5'-GTCGGCGATGTTGACCACGTAGTCCAGCAGCCGCGCAGACATGGCCCGGAACGTGACCAG[G>T]TGCCGCCGCACCAGCTCGGGGTGTGCGTCGCTGCGGCAGGCCAGGCGCAGCCACTCCTGC-3'
Protein context (NP_001129663.1, residues 634-654): SDAHPELVRR[His644Gln]LVTFRAMSAR

ClinVar aggregate classification (germline): Uncertain significance (1 of 4 stars; one submission).

Submission:

Labcorp Genetics (formerly Invitae), Labcorp
Classification: Uncertain significance. Last evaluated: 2022-06-03. Review status: criteria provided, single submitter. Criteria: Invitae Variant Classification Sherloc (09022015). Collection method: clinical testing. Allele origin: germline.
Comment: In summary, the available evidence is currently insufficient to determine the role of this variant in disease. Therefore, it has been classified as a Variant of Uncertain Significance. Algorithms developed to predict the effect of missense changes on protein structure and function are either unavailable or do not agree on the potential impact of this missense change (SIFT: "Tolerated"; PolyPhen-2: "Probably Damaging"; Align-GVGD: "Class C0"). This variant has not been reported in the literature in individuals affected with KANK2-related conditions. This variant is not present in population databases (gnomAD no frequency). This sequence change replaces histidine, which is basic and polar, with glutamine, which is neutral and polar, at codon 644 of the KANK2 protein (p.His644Gln).